The following is an entry in ClinVar:

NM_001291303.3(FAT4):c.9095G>C (p.Gly3032Ala)

Gene: FAT4 (FAT atypical cadherin 4; plus strand). Cytogenetic location: 4q28.1.
Variant type: single nucleotide variant.
Coding change: c.9095G>C on transcript NM_001291303.3 (MANE Select); coding-DNA position 9095, G replaced by C.
Protein change: p.Gly3032Ala; replaces glycine 3032 with alanine.
Molecular consequence: missense variant.
Genome position (GRCh38, 1-based): chr4:125,450,105, G>C. VCF-style: chr4-125450105-G-C. GRCh37 (hg19) VCF-style: chr4-126371260-G-C.
Other names: c.9095G>C, p.Gly3032Ala (NM_001291285.3); c.9089G>C, p.Gly3030Ala (NM_024582.6); c.9089G>C (NM_024582.4, NM_024582.5); short protein forms G3032A, G3030A.
Identifiers: ClinVar variation 1498046 (VCV001498046.7), dbSNP rs758240945, ClinGen allele CA3073465.

ClinVar aggregate classification (germline): Uncertain significance. Review status: criteria provided, multiple submitters, no conflicts (2 of 4 stars). 3 submissions from 3 submitters: Uncertain significance (3). Last evaluated 2025-11-02.

Conditions:
Inborn genetic diseases. Identifiers: MedGen C0950123, MeSH D030342.
Hennekam lymphangiectasia-lymphedema syndrome 2 (HKLLS2). Identifiers: Orphanet 2136, MedGen C4014939, MONDO:0014454, OMIM 616006.
Van Maldergem syndrome 2 (VMLDS2). Identifiers: Orphanet 314679, MedGen C3809875, MONDO:0014242, OMIM 615546.

Allele frequency attached by ClinVar (database versions not stated): gnomAD exomes 0.00002; TOPMed below 0.00001; ExAC 0.00002.
gnomAD v4.1: 8 of 1,613,788 alleles (0.0005%); highest among the groups gnomAD compares: Admixed American, 0.0067%; no homozygotes.

Submissions (3):

Ambry Genetics
Classification: Uncertain significance for Inborn genetic diseases. Last evaluated: 2025-11-02. Review status: criteria provided, single submitter. Criteria: Ambry Variant Classification Scheme 2023. Collection method: clinical testing. Allele origin: germline.

Fulgent Genetics
Classification: Uncertain significance for Van Maldergem syndrome 2; Hennekam lymphangiectasia-lymphedema syndrome 2. Last evaluated: 2024-06-12. Review status: criteria provided, single submitter. Criteria: ACMG Guidelines, 2015. Collection method: clinical testing. Allele origin: germline.

Labcorp Genetics (formerly Invitae), Labcorp
Classification: Uncertain significance. Last evaluated: 2021-09-24. Review status: criteria provided, single submitter. Criteria: Invitae Variant Classification Sherloc (09022015). Collection method: clinical testing. Allele origin: germline.
Comment: This sequence change replaces glycine with alanine at codon 3030 of the FAT4 protein (p.Gly3030Ala). The glycine residue is moderately conserved and there is a small physicochemical difference between glycine and alanine. This variant is present in population databases (rs758240945, ExAC 0.02%). This variant has not been reported in the literature in individuals with FAT4-related conditions. Advanced modeling of protein sequence and biophysical properties (such as structural, functional, and spatial information, amino acid conservation, physicochemical variation, residue mobility, and thermodynamic stability) performed at Invitae indicates that this missense variant is not expected to disrupt FAT4 protein function. In summary, the available evidence is currently insufficient to determine the role of this variant in disease. Therefore, it has been classified as a Variant of Uncertain Significance.